The following is an entry in ClinVar:

NM_018699.4(PRDM5):c.650+4C>A

Gene: PRDM5 (PR/SET domain 5; minus strand). Cytogenetic location: 4q27.
Variant type: single nucleotide variant.
Coding change: c.650+4C>A on transcript NM_018699.4 (MANE Select); 4 bases into the intron after coding-DNA position 650, C replaced by A.
Molecular consequence: intron variant.
Genome position (GRCh38, 1-based): chr4:120,818,349, G>T on the plus strand (C>A on the coding strand, the complement: PRDM5 is on the minus strand). VCF-style: chr4-120818349-G-T. GRCh37 (hg19) VCF-style: chr4-121739504-G-T.
Other names: c.650+4C>A (NM_001300824.2, NM_001379106.1, NM_001300823.2 and 1 more transcripts).
Identifiers: ClinVar variation 1968770 (VCV001968770.3), dbSNP rs1393505279, ClinGen allele CA1067377312.

ClinVar aggregate classification (germline): Uncertain significance. Review status: criteria provided, multiple submitters, no conflicts (2 of 4 stars). 2 submissions from 2 submitters: Uncertain significance (2). Last evaluated 2024-07-29.

gnomAD v4.1: 6 of 1,611,552 alleles (0.00037%); highest among the groups gnomAD compares: Non-Finnish European, 0.00051%; no homozygotes.

Submissions (2):

Women's Health and Genetics/Laboratory Corporation of America, LabCorp
Classification: Uncertain significance. Last evaluated: 2024-07-29. Review status: criteria provided, single submitter. Criteria: LabCorp Variant Classification Summary - May 2015. Collection method: clinical testing. Allele origin: germline.

Labcorp Genetics (formerly Invitae), Labcorp
Classification: Uncertain significance. Last evaluated: 2022-03-29. Review status: criteria provided, single submitter. Criteria: Invitae Variant Classification Sherloc (09022015). Collection method: clinical testing. Allele origin: germline.
Comment: This sequence change falls in intron 5 of the PRDM5 gene. It does not directly change the encoded amino acid sequence of the PRDM5 protein. It affects a nucleotide within the consensus splice site. This variant is not present in population databases (gnomAD no frequency). This variant has not been reported in the literature in individuals affected with PRDM5-related conditions. Variants that disrupt the consensus splice site are a relatively common cause of aberrant splicing (PMID: 17576681, 9536098). Algorithms developed to predict the effect of sequence changes on RNA splicing suggest that this variant is not likely to affect RNA splicing. In summary, the available evidence is currently insufficient to determine the role of this variant in disease. Therefore, it has been classified as a Variant of Uncertain Significance.

Literature cited by the submitters: PubMed 17576681 (cited by Labcorp Genetics (formerly Invitae), Labcorp); PubMed 9536098 (cited by Labcorp Genetics (formerly Invitae), Labcorp).